The following is an entry in ClinVar:

ClinVar aggregate classification (germline): Uncertain significance (1 of 4 stars; one submission).

Submission:

Institute of Human Genetics, University of Goettingen
Classification: Uncertain significance. Last evaluated: 2017-02-02. Review status: criteria provided, single submitter. Criteria: Institute of Human Genetics, HUG, CNV Assertion criteria, 20170113. Collection method: clinical testing. Allele origin: unknown. Affected: yes. Observed: 1 variant allele.
Comment: similar CNVs in ISCA (nssv582405, nssv581038) are also assessed as variant unknown significance

GRCh37/hg19 20p12.3(chr20:7103757-8075977)x3

Genes: HAO1 (hydroxyacid oxidase 1; minus strand), TMX4 (thioredoxin related transmembrane protein 4; minus strand). Cytogenetic location: 20p12.3.
Variant type: copy number gain.
Change: copy number 3 (three copies instead of two) of chr20:7,103,757-8,075,977 (972.2 kb, GRCh37 coordinates, 1-based), cytogenetic band 20p12.3.
Identifiers: ClinVar variation 424639 (VCV000424639.3).